The following is an entry in ClinVar:

NM_001111.5(ADAR):c.854C>G (p.Ser285Cys)

Gene: ADAR (adenosine deaminase RNA specific; minus strand). Cytogenetic location: 1q21.3.
Variant type: single nucleotide variant.
Coding change: c.854C>G on transcript NM_001111.5 (MANE Select); coding-DNA position 854, C replaced by G.
Protein change: p.Ser285Cys; replaces serine 285 with cysteine.
Molecular consequence: missense variant. On other transcripts: 5 prime UTR variant (6).
Genome position (GRCh38, 1-based): chr1:154,601,788, G>C on the plus strand (C>G on the coding strand, the complement: ADAR is on the minus strand). VCF-style: chr1-154601788-G-C. GRCh37 (hg19) VCF-style: chr1-154574264-G-C.
Other names: c.-32C>G (NM_001025107.3, NM_001193495.2, NM_001365046.1 and 3 more transcripts); c.881C>G, p.Ser294Cys (NM_001365045.1); c.854C>G, p.Ser285Cys (NM_015840.4, NM_015841.4); short protein forms S294C, S285C.
Identifiers: ClinVar variation 4782506 (VCV004782506.1).

ClinVar aggregate classification (germline): Uncertain significance (1 of 4 stars; one submission).

Conditions:
Aicardi-Goutieres syndrome 6 (AGS6). Identifiers: Orphanet 51, MedGen C3539013, MONDO:0014007, OMIM 615010.
Symmetrical dyschromatosis of extremities (DSH). Also called: Dyschromatosis symmetrica hereditaria; DYSCHROMATOSIS SYMMETRICA HEREDITARIA 1; RETICULATE ACROPIGMENTATION OF DOHI; SYMMETRIC DYSCHROMATOSIS OF THE EXTREMITIES. Identifiers: Orphanet 41, MedGen C0406775, MONDO:0007483, OMIM 127400.

Submission:

Labcorp Genetics (formerly Invitae), Labcorp
Classification: Uncertain significance for Aicardi-Goutieres syndrome 6; Symmetrical dyschromatosis of extremities. Last evaluated: 2025-02-09. Review status: criteria provided, single submitter. Criteria: Invitae Variant Classification Sherloc (09022015). Collection method: clinical testing. Allele origin: germline.
Comment: This sequence change replaces serine, which is neutral and polar, with cysteine, which is neutral and slightly polar, at codon 285 of the ADAR protein (p.Ser285Cys). This variant is not present in population databases (gnomAD no frequency). This variant has not been reported in the literature in individuals affected with ADAR-related conditions. Invitae Evidence Modeling of protein sequence and biophysical properties (such as structural, functional, and spatial information, amino acid conservation, physicochemical variation, residue mobility, and thermodynamic stability) indicates that this missense variant is not expected to disrupt ADAR protein function with a negative predictive value of 80%. In summary, the available evidence is currently insufficient to determine the role of this variant in disease. Therefore, it has been classified as a Variant of Uncertain Significance.